The following is an entry in ClinVar:

ClinVar aggregate classification (germline): Uncertain significance (1 of 4 stars; one submission).

Conditions:
Inborn genetic diseases. Identifiers: MedGen C0950123, MeSH D030342.

Submission:

Ambry Genetics
Classification: Uncertain significance for Inborn genetic diseases. Last evaluated: 2025-03-06. Review status: criteria provided, single submitter. Criteria: Ambry Variant Classification Scheme 2023. Collection method: clinical testing. Allele origin: germline.
Comment: The p.L57P variant (also known as c.170T>C), located in coding exon 2 of the FANCG gene, results from a T to C substitution at nucleotide position 170. The leucine at codon 57 is replaced by proline, an amino acid with similar properties. This amino acid position is conserved. In addition, the in silico prediction for this alteration is inconclusive. Based on the available evidence, the clinical significance of this variant remains unclear.

NM_004629.2(FANCG):c.170T>C (p.Leu57Pro)

Gene: FANCG (FA complementation group G; minus strand). Cytogenetic location: 9p13.3.
Variant type: single nucleotide variant.
Coding change: c.170T>C on transcript NM_004629.2 (MANE Select); coding-DNA position 170, T replaced by C.
Protein change: p.Leu57Pro; replaces leucine 57 with proline.
Molecular consequence: missense variant.
Genome position (GRCh38, 1-based): chr9:35,079,156, A>G on the plus strand (T>C on the coding strand, the complement: FANCG is on the minus strand). VCF-style: chr9-35079156-A-G. GRCh37 (hg19) VCF-style: chr9-35079153-A-G.
Other names: short protein forms L57P.
Identifiers: ClinVar variation 3848459 (VCV003848459.1).
Genomic context (GRCh38, chr9:35,079,156, plus strand): 5'-TGTTTCTCTGGCTATGGAAGAGGGGAACTGACCATCCTGGGGAGGACCCGCCTACCTTGC[A>G]GACTATGGAGGAGCCCTCTGAGCCCTTCCAGTGCATCCTGAGCCAACTGCTGTCGCCTCA-3'
Protein context (NP_004620.1, residues 47-67): LEGLRGLLHS[Leu57Pro]QGLPAAVPVL